The following is an entry in ClinVar:

ClinVar aggregate classification (germline): Uncertain significance (1 of 4 stars; one submission).

Submission:

Labcorp Genetics (formerly Invitae), Labcorp
Classification: Uncertain significance. Last evaluated: 2023-12-31. Review status: criteria provided, single submitter. Criteria: Invitae Variant Classification Sherloc (09022015). Collection method: clinical testing. Allele origin: unknown.
Comment: This variant results in a copy number gain of the genomic region encompassing exon(s) 1-2 of the DEAF1 gene. This region includes the initiator codon of the gene. This copy number gain extends beyond the assayed region for this gene and therefore may encompass additional genes. As the precise location of this event is unknown, it may be in tandem or it may be located elsewhere in the genome. This variant has not been reported in the literature in individuals affected with DEAF1-related conditions. Experimental studies and prediction algorithms are not available or were not evaluated, and the functional significance of this variant is currently unknown. In summary, the available evidence is currently insufficient to determine the role of this variant in disease. Therefore, it has been classified as a Variant of Uncertain Significance.

NC_000011.9:g.(?_691481)_(795006_?)dup

Genes: CEND1 (cell cycle exit and neuronal differentiation 1; minus strand), DEAF1 (DEAF1 transcription factor; minus strand), EPS8L2 (EPS8 signaling adaptor L2; plus strand), GATD1 (glutamine amidotransferase class 1 domain containing 1; minus strand), SLC25A22 (solute carrier family 25 member 22; minus strand) and 2 more. Cytogenetic location: 11p15.5.
Variant type: Duplication.
Identifiers: ClinVar variation 3244780 (VCV003244780.1).